The following is an entry in ClinVar:

ClinVar aggregate classification (germline): Benign (0 of 4 stars; one submission).

Conditions:
ABCA5-related disorder. Also called: ABCA5-related condition.

Allele frequency attached by ClinVar (database versions not stated): 1000 Genomes Project 0.12400; 1000 Genomes Project 30x 0.12570; ExAC 0.12832; gnomAD exomes 0.13677; gnomAD 0.14392; TOPMed 0.14875; ESP Exome Variant Server 0.15131.
gnomAD v4.1: 220,926 of 1,608,582 alleles (14%); highest among the groups gnomAD compares: Admixed American, 16%; 16,019 homozygotes.

Submission:

PreventionGenetics, part of Exact Sciences
Classification: Benign for ABCA5-related condition. Last evaluated: 2024-03-06. Review status: no assertion criteria provided. Collection method: clinical testing. Allele origin: germline.
Comment: This variant is classified as benign based on ACMG/AMP sequence variant interpretation guidelines (Richards et al. 2015 PMID: 25741868, with internal and published modifications).

NM_172232.4(ABCA5):c.532G>A (p.Ala178Thr)

Gene: ABCA5 (ATP binding cassette subfamily A member 5; minus strand). Cytogenetic location: 17q24.3.
Variant type: single nucleotide variant.
Coding change: c.532G>A on transcript NM_172232.4 (MANE Select); coding-DNA position 532, G replaced by A.
Protein change: p.Ala178Thr; replaces alanine 178 with threonine.
Molecular consequence: missense variant.
Genome position (GRCh38, 1-based): chr17:69,308,306, C>T on the plus strand (G>A on the coding strand, the complement: ABCA5 is on the minus strand). VCF-style: chr17-69308306-C-T. GRCh37 (hg19) VCF-style: chr17-67304447-C-T.
Other names: c.532G>A, p.Ala178Thr (NM_018672.5); short protein forms A178T.
Identifiers: ClinVar variation 3059410 (VCV003059410.2), dbSNP rs11544715, ClinGen allele CA8737865.